The following is an entry in ClinVar:

NM_000313.4(PROS1):c.77-1354G>A

Gene: PROS1 (protein S; minus strand). Cytogenetic location: 3q11.1.
Variant type: single nucleotide variant.
Coding change: c.77-1354G>A on transcript NM_000313.4 (MANE Select); 1354 bases into the intron before coding-DNA position 77, G replaced by A.
Molecular consequence: intron variant. On other transcripts: missense variant (1).
Genome position (GRCh38, 1-based): chr3:93,928,761, C>T on the plus strand (G>A on the coding strand, the complement: PROS1 is on the minus strand). VCF-style: chr3-93928761-C-T. GRCh37 (hg19) VCF-style: chr3-93647605-C-T.
Other names: c.113G>A, p.Arg38His (NM_001314077.2); short protein forms R38H.
Identifiers: ClinVar variation 4978339 (VCV004978339.1).
Genomic context (GRCh38, chr3:93,928,761, plus strand): 5'-CAGCATATAGAATAGAAAAAATTGCATCCAGATAAGCCGACCAATACAGAAATGCATGCA[C>T]GGTTGTATATAAAATCATTTCTAAAATATAAACAAACTATAAAGAAAACAATATAAACAA-3'

ClinVar aggregate classification (germline): Uncertain significance (1 of 4 stars; one submission).

Conditions:
PROS1-related disorder. Also called: PROS1-related condition.

gnomAD v4.1: 97 of 1,292,204 alleles (0.0075%); highest among the groups gnomAD compares: African/African-American, 0.011%; no homozygotes.

Submission:

PreventionGenetics, part of Exact Sciences
Classification: Uncertain significance for PROS1-related condition. Last evaluated: 2025-07-18. Review status: criteria provided, single submitter. Criteria: ACMG Guidelines, 2015. Collection method: clinical testing. Allele origin: germline.
Comment: The PROS1 c.113G>A variant is predicted to result in the amino acid substitution p.Arg38His. To our knowledge, this variant has not been reported in the literature. This variant is reported in 0.0081% of alleles in individuals of Latino descent in gnomAD. At this time, the clinical significance of this variant is uncertain due to the absence of conclusive functional and genetic evidence.